The following is an entry in ClinVar:

NM_001987.5(ETV6):c.980A>G (p.Glu327Gly)

Gene: ETV6 (ETS variant transcription factor 6; plus strand). Cytogenetic location: 12p13.2.
Variant type: single nucleotide variant.
Coding change: c.980A>G on transcript NM_001987.5 (MANE Select); coding-DNA position 980, A replaced by G.
Protein change: p.Glu327Gly; replaces glutamic acid 327 with glycine.
Molecular consequence: missense variant.
Genome position (GRCh38, 1-based): chr12:11,869,940, A>G. VCF-style: chr12-11869940-A-G. GRCh37 (hg19) VCF-style: chr12-12022874-A-G.
Other names: c.977A>G, p.Glu326Gly (NM_001413913.1); c.953A>G, p.Glu318Gly (NM_001413914.1); c.716A>G, p.Glu239Gly (NM_001413915.1); c.980A>G, p.Glu327Gly (NM_001413916.1, NM_001413917.1); short protein forms E327G, E318G, E239G, E326G.
Identifiers: ClinVar variation 5036175 (VCV005036175.1).

ClinVar aggregate classification (germline): Uncertain significance (1 of 4 stars; one submission).

Conditions:
Inborn genetic diseases. Identifiers: MedGen C0950123, MeSH D030342.

gnomAD v4.1: 1 of 1,608,610 alleles (0.000062%); highest among the groups gnomAD compares: Non-Finnish European, 0.000085%; no homozygotes.

Submission:

Ambry Genetics
Classification: Uncertain significance for Inborn genetic diseases. Last evaluated: 2026-07-06. Review status: criteria provided, single submitter. Criteria: Ambry Variant Classification Scheme 2023. Collection method: clinical testing. Allele origin: germline.
Comment: The p.E327G variant (also known as c.980A>G), located in coding exon 5 of the ETV6 gene, results from an A to G substitution at nucleotide position 980. The glutamic acid at codon 327 is replaced by glycine, an amino acid with similar properties. This amino acid position is conserved. In addition, this alteration is predicted to be tolerated by in silico analysis. Based on the available evidence, the clinical significance of this variant remains unclear.